The following is an entry in ClinVar:

ClinVar aggregate classification (germline): Uncertain significance. Review status: criteria provided, multiple submitters, no conflicts (2 of 4 stars). 3 submissions from 3 submitters: Uncertain significance (3). Last evaluated 2025-06-23.

Conditions:
Neuropathy, hereditary sensory and autonomic, type 2A (HSAN2A). Also called: WNK1-Related HSAN2 (HSAN2A); HSAN IIA; MORVAN DISEASE; NEUROPATHY, CONGENITAL SENSORY; ACROOSTEOLYSIS, GIACCAI TYPE; ACROOSTEOLYSIS, NEUROGENIC. Identifiers: Orphanet 970, MedGen C2752089, MONDO:0024309, OMIM 201300.
Generalized epilepsy with febrile seizures plus, type 7 (GEFSP7). Also called: GEFS+, TYPE 7. Identifiers: Orphanet 36387, MedGen C2751778, MONDO:0013470, OMIM 613863.

Allele frequency attached by ClinVar (database versions not stated): gnomAD exomes below 0.00001 and 0.00001; ExAC 0.00001; gnomAD 0.00001; TOPMed 0.00001.
gnomAD v4.1: 17 of 1,608,816 alleles (0.0011%); highest among the groups gnomAD compares: Non-Finnish European, 0.0014%; no homozygotes.

Submissions (3):

Revvity Omics, Revvity
Classification: Uncertain significance. Last evaluated: 2025-06-23. Review status: criteria provided, single submitter. Criteria: ACMG Guidelines, 2015. Collection method: clinical testing. Allele origin: germline.

Labcorp Genetics (formerly Invitae), Labcorp
Classification: Uncertain significance for Neuropathy, hereditary sensory and autonomic, type 2A; Generalized epilepsy with febrile seizures plus, type 7. Last evaluated: 2024-11-24. Review status: criteria provided, single submitter. Criteria: Invitae Variant Classification Sherloc (09022015). Collection method: clinical testing. Allele origin: germline.
Comment: This sequence change replaces glutamic acid, which is acidic and polar, with alanine, which is neutral and non-polar, at codon 435 of the SCN9A protein (p.Glu435Ala). This variant is present in population databases (rs201396897, gnomAD 0.0009%). This variant has not been reported in the literature in individuals affected with SCN9A-related conditions. ClinVar contains an entry for this variant (Variation ID: 432313). Invitae Evidence Modeling of protein sequence and biophysical properties (such as structural, functional, and spatial information, amino acid conservation, physicochemical variation, residue mobility, and thermodynamic stability) indicates that this missense variant is not expected to disrupt SCN9A protein function with a negative predictive value of 95%. In summary, the available evidence is currently insufficient to determine the role of this variant in disease. Therefore, it has been classified as a Variant of Uncertain Significance.

GeneDx
Classification: Uncertain significance. Last evaluated: 2017-05-18. Review status: criteria provided, single submitter. Criteria: GeneDx Variant Classification (06012015). Collection method: clinical testing. Allele origin: germline. Affected: yes.
Comment: The E435A variant has not been published as a pathogenic variant, nor has it been reported as a benign variant to our knowledge. The variant is not observed at a significant frequency in large population cohorts (Lek et al., 2016; 1000 Genomes Consortium et al., 2015; Exome Variant Server). E435A is a non-conservative amino acid substitution, which is likely to impact secondary protein structure as these residues differ in polarity, charge, size and/or other properties. This substitution occurs at a position that is conserved across species, and in silico analysis predicts this variant is probably damaging to the protein structure/function. In summary, based on the currently available information, it is unclear whether this variant is a pathogenic variant or a rare benign variant.

NM_001365536.1(SCN9A):c.1304A>C (p.Glu435Ala)

Genes: SCN9A (sodium voltage-gated channel alpha subunit 9; minus strand), SCN1A-AS1 (SCN1A and SCN9A antisense RNA 1; plus strand). Cytogenetic location: 2q24.3.
Variant type: single nucleotide variant.
Coding change: c.1304A>C on transcript NM_001365536.1 (MANE Select); coding-DNA position 1304, A replaced by C.
Protein change: p.Glu435Ala; replaces glutamic acid 435 with alanine.
Molecular consequence: missense variant.
Genome position (GRCh38, 1-based): chr2:166,288,447, T>G on the plus strand (A>C on the coding strand, the complement: SCN9A is on the minus strand). VCF-style: chr2-166288447-T-G. GRCh37 (hg19) VCF-style: chr2-167144957-T-G.
Other names: c.1304A>C, p.Glu435Ala (NM_002977.4); short protein forms E435A.
Identifiers: ClinVar variation 432313 (VCV000432313.13), dbSNP rs201396897, ClinGen allele CA1944552.